The following is an entry in ClinVar:

NM_153614.4(DNAJB13):c.726C>T (p.Leu242=)

Gene: DNAJB13 (DnaJ heat shock protein family (Hsp40) member B13; plus strand). Cytogenetic location: 11q13.4.
Variant type: single nucleotide variant.
Coding change: c.726C>T on transcript NM_153614.4 (MANE Select); coding-DNA position 726, C replaced by T.
Protein change: p.Leu242=; no amino-acid change (leucine 242 retained).
Molecular consequence: synonymous variant.
Genome position (GRCh38, 1-based): chr11:73,969,251, C>T. VCF-style: chr11-73969251-C-T. GRCh37 (hg19) VCF-style: chr11-73680296-C-T.
Other names: c.552C>T, p.Leu184= (NM_001377263.1); c.564C>T, p.Leu188= (NM_001441321.1).
Identifiers: ClinVar variation 4874228 (VCV004874228.2).

ClinVar aggregate classification (germline): Likely benign (1 of 4 stars; one submission).

gnomAD v4.1: 13 of 869,044 alleles (0.0015%); highest among the groups gnomAD compares: East Asian, 0.012%; no homozygotes.

Submission:

CeGaT Center for Human Genetics Tuebingen
Classification: Likely benign. Last evaluated: 2026-05-01. Review status: criteria provided, single submitter. Criteria: CeGaT Center For Human Genetics Tuebingen Variant Classification Criteria Version 2. Collection method: clinical testing. Allele origin: germline. Affected: yes. Observed: 1 variant allele.
Comment: DNAJB13: BP4, BP7